The following is an entry in ClinVar:

NM_004924.6(ACTN4):c.2315C>T (p.Ala772Val)

Gene: ACTN4 (actinin alpha 4; plus strand). Cytogenetic location: 19q13.2.
Variant type: single nucleotide variant.
Coding change: c.2315C>T on transcript NM_004924.6 (MANE Select); coding-DNA position 2315, C replaced by T.
Protein change: p.Ala772Val; replaces alanine 772 with valine.
Molecular consequence: missense variant.
Genome position (GRCh38, 1-based): chr19:38,727,081, C>T. VCF-style: chr19-38727081-C-T. GRCh37 (hg19) VCF-style: chr19-39217721-C-T.
Other names: c.2315C>T, p.Ala772Val (NM_001322033.2, NM_001411143.1); c.2315C>T (NM_004924.4); short protein forms A772V.
Identifiers: ClinVar variation 1712379 (VCV001712379.5), dbSNP rs760946329, ClinGen allele CA9417942.

ClinVar aggregate classification (germline): Conflicting classifications of pathogenicity. Review status: criteria provided, conflicting classifications (1 of 4 stars). 3 submissions from 3 submitters: Uncertain significance (2); Likely benign (1). Last evaluated 2025-05-05.

Conditions:
Focal segmental glomerulosclerosis (FSGS). Also called: Glomerulosclerosis, focal; Focal sclerosis with hyalinosis. Identifiers: MedGen C0017668, MONDO:0100313, HP:0000097. Disease mechanism: loss of function.
Inborn genetic diseases. Identifiers: MedGen C0950123, MeSH D030342.

Allele frequency attached by ClinVar (database versions not stated): gnomAD exomes 0.00001; ExAC 0.00001; TOPMed 0.00002.
gnomAD v4.1: 21 of 1,614,082 alleles (0.0013%); highest among the groups gnomAD compares: East Asian, 0.0089%; no homozygotes.

Submissions (3):

Ambry Genetics
Classification: Likely benign for Inborn genetic diseases. Last evaluated: 2025-05-05. Review status: criteria provided, single submitter. Criteria: Ambry Variant Classification Scheme 2023. Collection method: clinical testing. Allele origin: germline.

Labcorp Genetics (formerly Invitae), Labcorp
Classification: Uncertain significance. Last evaluated: 2023-11-18. Review status: criteria provided, single submitter. Criteria: Invitae Variant Classification Sherloc (09022015). Collection method: clinical testing. Allele origin: germline.
Comment: This sequence change replaces alanine, which is neutral and non-polar, with valine, which is neutral and non-polar, at codon 772 of the ACTN4 protein (p.Ala772Val). This variant is present in population databases (rs760946329, gnomAD 0.02%). This missense change has been observed in individual(s) with nephropathy syndrome (PMID: 31930129). ClinVar contains an entry for this variant (Variation ID: 1712379). An algorithm developed to predict the effect of missense changes on protein structure and function (PolyPhen-2) suggests that this variant¬¨‚Ä†is likely to be tolerated. In summary, the available evidence is currently insufficient to determine the role of this variant in disease. Therefore, it has been classified as a Variant of Uncertain Significance.

Genome Diagnostics Laboratory, The Hospital for Sick Children
Classification: Uncertain significance for Focal segmental glomerulosclerosis. Last evaluated: 2021-01-27. Review status: criteria provided, single submitter. Criteria: ACMG Guidelines, 2015. Collection method: clinical testing. Allele origin: germline.

Literature cited by the submitters: PubMed 31930129 (cited by Labcorp Genetics (formerly Invitae), Labcorp).